The following is an entry in ClinVar:

NM_000057.4(BLM):c.2618A>T (p.Lys873Met)

Gene: BLM (BLM RecQ like helicase; plus strand). Cytogenetic location: 15q26.1.
Variant type: single nucleotide variant.
Coding change: c.2618A>T on transcript NM_000057.4 (MANE Select); coding-DNA position 2618, A replaced by T.
Protein change: p.Lys873Met; replaces lysine 873 with methionine.
Molecular consequence: missense variant.
Genome position (GRCh38, 1-based): chr15:90,782,884, A>T. VCF-style: chr15-90782884-A-T. GRCh37 (hg19) VCF-style: chr15-91326114-A-T.
Other names: c.2618A>T, p.Lys873Met (NM_001287246.2, NM_001287247.2); c.1493A>T, p.Lys498Met (NM_001287248.2); short protein forms K873M, K498M.
Identifiers: ClinVar variation 2912844 (VCV002912844.4), dbSNP rs771826270, ClinGen allele CA7738830.
Genomic context (GRCh38, chr15:90,782,884, plus strand): 5'-TTAGCATGAGCTTTAACAGACATAATCTGAAATACTATGTATTACCGAAAAAGCCTAAAA[A>T]GGTGGCATTTGATTGCCTAGAATGGATCAGAAAGCACCACCCATGTGAGTACAGCCATGT-3'
Protein context (NP_000048.1, residues 863-883): KYYVLPKKPK[Lys873Met]VAFDCLEWIR

ClinVar aggregate classification (germline): Uncertain significance. Review status: criteria provided, multiple submitters, no conflicts (2 of 4 stars). 2 submissions from 2 submitters: Uncertain significance (2). Last evaluated 2026-03-19.

Conditions:
Hereditary cancer-predisposing syndrome. Also called: Hereditary neoplastic syndrome; Neoplastic Syndromes, Hereditary; Tumor predisposition; Hereditary Cancer Syndrome. Identifiers: Orphanet 140162, MedGen C0027672, MeSH D009386, MONDO:0015356.
Bloom syndrome (BLM). Also called: Bloom-Torre-Machacek syndrome. Identifiers: Orphanet 125, MedGen C0005859, MONDO:0008876, OMIM 210900.

Allele frequency attached by ClinVar (database versions not stated): ExAC 0.00001; gnomAD exomes 0.00001.
gnomAD v4.1: 13 of 1,614,020 alleles (0.00081%); highest among the groups gnomAD compares: Non-Finnish European, 0.001%; no homozygotes.

Submissions (2):

Ambry Genetics
Classification: Uncertain significance for Hereditary cancer-predisposing syndrome. Last evaluated: 2026-03-19. Review status: criteria provided, single submitter. Criteria: Ambry Variant Classification Scheme 2023. Collection method: clinical testing. Allele origin: germline.
Comment: The p.K873M variant (also known as c.2618A>T), located in coding exon 12 of the BLM gene, results from an A to T substitution at nucleotide position 2618. The lysine at codon 873 is replaced by methionine, an amino acid with similar properties. This amino acid position is conserved. In addition, this alteration is predicted to be tolerated by in silico analysis. Based on the available evidence, the clinical significance of this variant remains unclear.

Labcorp Genetics (formerly Invitae), Labcorp
Classification: Uncertain significance for Bloom syndrome. Last evaluated: 2024-10-15. Review status: criteria provided, single submitter. Criteria: Invitae Variant Classification Sherloc (09022015). Collection method: clinical testing. Allele origin: germline.
Comment: This sequence change replaces lysine, which is basic and polar, with methionine, which is neutral and non-polar, at codon 873 of the BLM protein (p.Lys873Met). This variant is present in population databases (rs771826270, gnomAD 0.0009%). This variant has not been reported in the literature in individuals affected with BLM-related conditions. Invitae Evidence Modeling of protein sequence and biophysical properties (such as structural, functional, and spatial information, amino acid conservation, physicochemical variation, residue mobility, and thermodynamic stability) has been performed for this missense variant. However, the output from this modeling did not meet the statistical confidence thresholds required to predict the impact of this variant on BLM protein function. In summary, the available evidence is currently insufficient to determine the role of this variant in disease. Therefore, it has been classified as a Variant of Uncertain Significance.